The following is an entry in ClinVar:

ClinVar aggregate classification (germline): Uncertain significance (1 of 4 stars; one submission).

Submission:

GeneDx
Classification: Uncertain significance. Last evaluated: 2024-10-02. Review status: criteria provided, single submitter. Criteria: GeneDx Variant Classification Process June 2021. Collection method: clinical testing. Allele origin: germline. Affected: yes.
Comment: Not observed at significant frequency in large population cohorts (gnomAD); In silico analysis supports that this missense variant does not alter protein structure/function; Has not been previously published as pathogenic or benign to our knowledge; This variant is associated with the following publications: (PMID: 24863639)

NM_014874.4(MFN2):c.613G>A (p.Val205Ile)

Gene: MFN2 (mitofusin 2; plus strand). Cytogenetic location: 1p36.22.
Variant type: single nucleotide variant.
Coding change: c.613G>A on transcript NM_014874.4 (MANE Select); coding-DNA position 613, G replaced by A.
Protein change: p.Val205Ile; replaces valine 205 with isoleucine.
Molecular consequence: missense variant.
Genome position (GRCh38, 1-based): chr1:11,998,783, G>A. VCF-style: chr1-11998783-G-A. GRCh37 (hg19) VCF-style: chr1-12058840-G-A.
Other names: c.613G>A, p.Val205Ile (NM_001127660.2); short protein forms V205I.
Identifiers: ClinVar variation 1342824 (VCV001342824.3), dbSNP rs2100831623, ClinGen allele CA338437747.